The following is an entry in ClinVar:

ClinVar aggregate classification (germline): Uncertain significance. Review status: criteria provided, multiple submitters, no conflicts (2 of 4 stars). 2 submissions from 2 submitters: Uncertain significance (2). Last evaluated 2025-07-31.

Allele frequency attached by ClinVar (database versions not stated): TOPMed below 0.00001; ExAC 0.00001; gnomAD 0.00001.

Submissions (2):

Labcorp Genetics (formerly Invitae), Labcorp
Classification: Uncertain significance. Last evaluated: 2025-07-31. Review status: criteria provided, single submitter. Criteria: Invitae Variant Classification Sherloc (09022015). Collection method: clinical testing. Allele origin: germline.
Comment: This sequence change replaces leucine, which is neutral and non-polar, with phenylalanine, which is neutral and non-polar, at codon 82 of the BUB1 protein (p.Leu82Phe). The frequency data for this variant in the population databases is considered unreliable, as metrics indicate poor data quality at this position in the gnomAD database. This variant has not been reported in the literature in individuals affected with BUB1-related conditions. ClinVar contains an entry for this variant (Variation ID: 1791460). Experimental studies and prediction algorithms are not available or were not evaluated, and the functional significance of this variant is currently unknown. In summary, the available evidence is currently insufficient to determine the role of this variant in disease. Therefore, it has been classified as a Variant of Uncertain Significance.

Ambry Genetics
Classification: Uncertain significance. Last evaluated: 2023-12-17. Review status: criteria provided, single submitter. Criteria: Ambry Variant Classification Scheme 2023. Collection method: clinical testing. Allele origin: germline.
Comment: The p.L82F variant (also known as c.244C>T), located in coding exon 4 of the BUB1 gene, results from a C to T substitution at nucleotide position 244. The leucine at codon 82 is replaced by phenylalanine, an amino acid with highly similar properties. This amino acid position is conserved. In addition, this alteration is predicted to be tolerated by in silico analysis. Since supporting evidence is limited at this time, the clinical significance of this alteration remains unclear.

NM_004336.5(BUB1):c.244C>T (p.Leu82Phe)

Gene: BUB1 (BUB1 mitotic checkpoint serine/threonine kinase; minus strand). Cytogenetic location: 2q13.
Variant type: single nucleotide variant.
Coding change: c.244C>T on transcript NM_004336.5 (MANE Select); coding-DNA position 244, C replaced by T.
Protein change: p.Leu82Phe; replaces leucine 82 with phenylalanine.
Molecular consequence: missense variant.
Genome position (GRCh38, 1-based): chr2:110,672,839, G>A on the plus strand (C>T on the coding strand, the complement: BUB1 is on the minus strand). VCF-style: chr2-110672839-G-A. GRCh37 (hg19) VCF-style: chr2-111430416-G-A.
Other names: c.184C>T, p.Leu62Phe (NM_001278616.2); c.244C>T, p.Leu82Phe (NM_001278617.2); short protein forms L62F, L82F.
Identifiers: ClinVar variation 1791460 (VCV001791460.4), dbSNP rs745547039, ClinGen allele CA1828403.
Genomic context (GRCh38, chr2:110,672,839, plus strand): 5'-ACAGAGGGGATGACAGGGTTCCAATCCCATGGTTGTACAGAAACTCAAAAAATTGATGGA[G>A]GTCACTGTTGTACTCAGCCTACACGAACCCAAAACAAAAAGACATAAGAATAATGGAACT-3'
Protein context (NP_004327.1, residues 72-92): CLKFAEYNSD[Leu82Phe]HQFFEFLYNH